The following is an entry in ClinVar:

NM_006206.6(PDGFRA):c.1546C>G (p.Leu516Val)

Gene: PDGFRA (platelet derived growth factor receptor alpha; plus strand). Cytogenetic location: 4q12.
Variant type: single nucleotide variant.
Coding change: c.1546C>G on transcript NM_006206.6 (MANE Select); coding-DNA position 1546, C replaced by G.
Protein change: p.Leu516Val; replaces leucine 516 with valine.
Molecular consequence: missense variant.
Genome position (GRCh38, 1-based): chr4:54,273,718, C>G. VCF-style: chr4-54273718-C-G. GRCh37 (hg19) VCF-style: chr4-55139885-C-G.
Other names: c.1546C>G, p.Leu516Val (NM_001347827.2, NM_001347829.2); c.1621C>G, p.Leu541Val (NM_001347828.2); c.1585C>G, p.Leu529Val (NM_001347830.2); short protein forms L529V, L516V, L541V.
Identifiers: ClinVar variation 858392 (VCV000858392.14), dbSNP rs763214177, ClinGen allele CA356892788.

ClinVar aggregate classification (germline): Uncertain significance. Review status: criteria provided, multiple submitters, no conflicts (2 of 4 stars). 3 submissions from 3 submitters: Uncertain significance (3). Last evaluated 2025-06-02.

Conditions:
Hereditary cancer-predisposing syndrome. Also called: Neoplastic Syndromes, Hereditary; Tumor predisposition; Hereditary Cancer Syndrome; Hereditary neoplastic syndrome. Identifiers: Orphanet 140162, MedGen C0027672, MeSH D009386, MONDO:0015356.
Gastrointestinal stromal tumor. Also called: Gastrointestinal stromal tumor, somatic; Gastrointestinal stroma tumor. Identifiers: Orphanet 44890, MedGen C0238198, MeSH D046152, MONDO:0011719, OMIM 606764, HP:0100723.

gnomAD v4.1: 2 of 1,613,110 alleles (0.00012%); highest among the groups gnomAD compares: Non-Finnish European, 0.00017%; no homozygotes.

Submissions (3):

Labcorp Genetics (formerly Invitae), Labcorp
Classification: Uncertain significance for Gastrointestinal stromal tumor. Last evaluated: 2025-06-02. Review status: criteria provided, single submitter. Criteria: Invitae Variant Classification Sherloc (09022015). Collection method: clinical testing. Allele origin: germline.
Comment: This sequence change replaces leucine, which is neutral and non-polar, with valine, which is neutral and non-polar, at codon 516 of the PDGFRA protein (p.Leu516Val). This variant is not present in population databases (gnomAD no frequency). This variant has not been reported in the literature in individuals affected with PDGFRA-related conditions. ClinVar contains an entry for this variant (Variation ID: 858392). An algorithm developed to predict the effect of missense changes on protein structure and function (PolyPhen-2) suggests that this variant is likely to be disruptive. In summary, the available evidence is currently insufficient to determine the role of this variant in disease. Therefore, it has been classified as a Variant of Uncertain Significance.

Ambry Genetics
Classification: Uncertain significance for Hereditary cancer-predisposing syndrome. Last evaluated: 2024-06-18. Review status: criteria provided, single submitter. Criteria: Ambry Variant Classification Scheme 2023. Collection method: clinical testing. Allele origin: germline.
Comment: The p.L516V variant (also known as c.1546C>G), located in coding exon 9 of the PDGFRA gene, results from a C to G substitution at nucleotide position 1546. The leucine at codon 516 is replaced by valine, an amino acid with highly similar properties. This amino acid position is highly conserved in available vertebrate species. In addition, the in silico prediction for this alteration is inconclusive. Based on the available evidence, the clinical significance of this variant remains unclear.

GeneDx
Classification: Uncertain significance. Last evaluated: 2023-05-10. Review status: criteria provided, single submitter. Criteria: GeneDx Variant Classification Process June 2021. Collection method: clinical testing. Allele origin: germline. Affected: yes.
Comment: Not observed at significant frequency in large population cohorts (gnomAD); In silico analysis supports that this missense variant does not alter protein structure/function; Has not been previously published as pathogenic or benign to our knowledge; In silico analysis suggests this variant may impact gene splicing. In the absence of RNA/functional studies, the actual effect of this sequence change is unknown.